The following is an entry in ClinVar:

NM_001367624.2(ZNF469):c.8864C>T (p.Ala2955Val)

Gene: ZNF469 (zinc finger protein 469; plus strand). Cytogenetic location: 16q24.2.
Variant type: single nucleotide variant.
Coding change: c.8864C>T on transcript NM_001367624.2 (MANE Select); coding-DNA position 8864, C replaced by T.
Protein change: p.Ala2955Val; replaces alanine 2955 with valine.
Molecular consequence: missense variant.
Genome position (GRCh38, 1-based): chr16:88,436,334, C>T. VCF-style: chr16-88436334-C-T. GRCh37 (hg19) VCF-style: chr16-88502742-C-T.
Other names: NM_001127464.1:c.8780C>T; short protein forms A2955V.
Identifiers: ClinVar variation 3821154 (VCV003821154.1).

ClinVar aggregate classification (germline): Uncertain significance (1 of 4 stars; one submission).

Conditions:
Cardiovascular phenotype. Identifiers: MedGen CN230736.

gnomAD v4.1: 6 of 1,549,322 alleles (0.00039%); highest among the groups gnomAD compares: African/African-American, 0.0041%; no homozygotes.

Submission:

Ambry Genetics
Classification: Uncertain significance for Cardiovascular phenotype. Last evaluated: 2025-02-22. Review status: criteria provided, single submitter. Criteria: Ambry Variant Classification Scheme 2023. Collection method: clinical testing. Allele origin: germline.
Comment: The p.A2927V variant (also known as c.8780C>T), located in coding exon 2 of the ZNF469 gene, results from a C to T substitution at nucleotide position 8780. The alanine at codon 2927 is replaced by valine, an amino acid with similar properties. This amino acid position is conserved. In addition, this alteration is predicted to be tolerated by in silico analysis. Based on the available evidence, the clinical significance of this variant remains unclear.